The following is an entry in ClinVar:

NM_000407.5(GP1BB):c.537GGCCCG[3] (p.Ala186_Ala187insArgAla)

Genes: GP1BB (glycoprotein Ib platelet subunit beta; plus strand), SEPT5-GP1BB (SEPT5-GP1BB readthrough; plus strand). Cytogenetic location: 22q11.21.
Variant type: Microsatellite.
Coding change: c.537GGCCCG[3] on transcript NM_000407.5 (MANE Select); three copies in a row of the 6-base unit GGCCCG starting at c.537; the reference has two copies in a row; one copy, 6 bases duplicated.
Protein change: p.Ala186_Ala187insArgAla.
Molecular consequence: inframe insertion. On other transcripts: non-coding transcript variant (2).
Genome position (GRCh38, 1-based): chr22:19,724,386-19,724,391, GGCCCG duplicated; duplicating any 6 consecutive bases within chr22:19,724,378-19,724,391 gives the same sequence; the position shown is the placement nearest the transcript's 3' end. VCF-style (leftmost placement, unchanged base first): chr22-19724377-G-GCGGGCC. GRCh37 (hg19) VCF-style: chr22-19711900-G-GCGGGCC.
Identifiers: ClinVar variation 4532514 (VCV004532514.1).

ClinVar aggregate classification (germline): Uncertain significance (1 of 4 stars; one submission).

Submission:

GeneDx
Classification: Uncertain significance. Last evaluated: 2025-05-25. Review status: criteria provided, single submitter. Criteria: GeneDx Variant Classification Process June 2021. Collection method: clinical testing. Allele origin: germline. Affected: yes.
Comment: Not observed at significant frequency in large population cohorts (gnomAD); In-frame duplication of 2 amino acid(s) in a non-repeat region; Has not been previously published as pathogenic or benign to our knowledge